The following is an entry in ClinVar:

ClinVar aggregate classification (germline): Uncertain significance (1 of 4 stars; one submission).

Conditions:
Ataxia-telangiectasia syndrome (AT). Also called: ATAXIA-TELANGIECTASIA, COMPLEMENTATION GROUP A; ATAXIA-TELANGIECTASIA, FRESNO VARIANT; Ataxia-telangiectasia; Ataxia-telangiectasia, complementation group E; LOUIS-BAR SYNDROME; Cerebello-oculocutaneous telangiectasia. Identifiers: Orphanet 100, MedGen C0004135, MONDO:0008840, OMIM 208900.

Submission:

Labcorp Genetics (formerly Invitae), Labcorp
Classification: Uncertain significance for Ataxia-telangiectasia syndrome. Last evaluated: 2022-03-06. Review status: criteria provided, single submitter. Criteria: Invitae Variant Classification Sherloc (09022015). Collection method: clinical testing. Allele origin: germline.
Comment: This sequence change falls in intron 51 of the ATM gene. It does not directly change the encoded amino acid sequence of the ATM protein. This variant is not present in population databases (gnomAD no frequency). This variant has not been reported in the literature in individuals affected with ATM-related conditions. Algorithms developed to predict the effect of sequence changes on RNA splicing suggest that this variant may disrupt the consensus splice site. In summary, the available evidence is currently insufficient to determine the role of this variant in disease. Therefore, it has been classified as a Variant of Uncertain Significance.

NM_000051.4(ATM):c.7630-16A>C

Genes: ATM (ATM serine/threonine kinase; plus strand), C11orf65 (chromosome 11 open reading frame 65; minus strand). Cytogenetic location: 11q22.3.
Variant type: single nucleotide variant.
Coding change: c.7630-16A>C on transcript NM_000051.4 (MANE Select); 16 bases into the intron before coding-DNA position 7630, A replaced by C.
Molecular consequence: intron variant.
Genome position (GRCh38, 1-based): chr11:108,331,863, A>C. VCF-style: chr11-108331863-A-C. GRCh37 (hg19) VCF-style: chr11-108202590-A-C.
Other names: c.7630-16A>C (NM_001351834.2); c.641-22792T>G (NM_001330368.2); c.*38+3357T>G (NM_001351110.2).
Identifiers: ClinVar variation 2107324 (VCV002107324.1), dbSNP rs2136513501, ClinGen allele CA2580083522.